The following is an entry in ClinVar:

NM_000321.3(RB1):c.1337A>G (p.Tyr446Cys)

Gene: RB1 (RB transcriptional corepressor 1; plus strand). Cytogenetic location: 13q14.2.
Variant type: single nucleotide variant.
Coding change: c.1337A>G on transcript NM_000321.3 (MANE Select); coding-DNA position 1337, A replaced by G.
Protein change: p.Tyr446Cys; replaces tyrosine 446 with cysteine.
Molecular consequence: missense variant.
Genome position (GRCh38, 1-based): chr13:48,379,598, A>G. VCF-style: chr13-48379598-A-G. GRCh37 (hg19) VCF-style: chr13-48953734-A-G.
Other names: c.1337A>G, p.Tyr446Cys (NM_001407165.1, NM_001407166.1); short protein forms Y446C.
Identifiers: ClinVar variation 2565229 (VCV002565229.2), dbSNP rs2138140787, ClinGen allele CA388162538.

ClinVar aggregate classification (germline): Uncertain significance (1 of 4 stars; one submission).

Conditions:
Hereditary cancer-predisposing syndrome. Also called: Neoplastic Syndromes, Hereditary; Hereditary Cancer Syndrome; Hereditary neoplastic syndrome; Tumor predisposition. Identifiers: Orphanet 140162, MedGen C0027672, MeSH D009386, MONDO:0015356.

Allele frequency attached by ClinVar (database versions not stated): gnomAD exomes below 0.00001.

Submission:

Ambry Genetics
Classification: Uncertain significance for Hereditary cancer-predisposing syndrome. Last evaluated: 2023-05-24. Review status: criteria provided, single submitter. Criteria: Ambry Variant Classification Scheme 2023. Collection method: clinical testing. Allele origin: germline.
Comment: The p.Y446C variant (also known as c.1337A>G), located in coding exon 14 of the RB1 gene, results from an A to G substitution at nucleotide position 1337. The tyrosine at codon 446 is replaced by cysteine, an amino acid with highly dissimilar properties. This amino acid position is well conserved in available vertebrate species. In addition, the in silico prediction for this alteration is inconclusive. Since supporting evidence is limited at this time, the clinical significance of this alteration remains unclear.